The following is an entry in ClinVar:

ClinVar aggregate classification (germline): Likely benign. Review status: criteria provided, multiple submitters, no conflicts (2 of 4 stars). 3 submissions from 3 submitters: Likely benign (3). Last evaluated 2026-01-27.

Conditions:
Osteogenesis imperfecta type I (OI1). Also called: Classic Non-deforming Osteogenesis Imperfecta with Blue Sclerae; Osteogenesis imperfecta type 1; Lobstein disease; OI, TYPE I; OSTEOGENESIS IMPERFECTA TARDA; OSTEOGENESIS IMPERFECTA WITH BLUE SCLERAE. Identifiers: Orphanet 216796, Orphanet 666, MedGen C0023931, MONDO:0008146, OMIM 166200. Disease mechanism: loss of function.
Cardiovascular phenotype. Identifiers: MedGen CN230736.

Allele frequency attached by ClinVar (database versions not stated): gnomAD 0.00003; TOPMed 0.00003.
gnomAD v4.1: 13 of 1,614,058 alleles (0.00081%); highest among the groups gnomAD compares: Middle Eastern, 0.033%; no homozygotes.

Submissions (3):

Labcorp Genetics (formerly Invitae), Labcorp
Classification: Likely benign for Osteogenesis imperfecta type I. Last evaluated: 2026-01-27. Review status: criteria provided, single submitter. Criteria: Invitae Variant Classification Sherloc (09022015). Collection method: clinical testing. Allele origin: germline.

Ambry Genetics
Classification: Likely benign for Cardiovascular phenotype. Last evaluated: 2025-04-13. Review status: criteria provided, single submitter. Criteria: Ambry Variant Classification Scheme 2023. Collection method: clinical testing. Allele origin: germline.

GeneDx
Classification: Likely benign. Last evaluated: 2017-07-11. Review status: criteria provided, single submitter. Criteria: GeneDx Variant Classification (06012015). Collection method: clinical testing. Allele origin: germline. Affected: yes.
Comment: This variant is considered likely benign or benign based on one or more of the following criteria: it is a conservative change, it occurs at a poorly conserved position in the protein, it is predicted to be benign by multiple in silico algorithms, and/or has population frequency not consistent with disease.

NM_000088.4(COL1A1):c.4182C>T (p.Asn1394=)

Gene: COL1A1 (collagen type I alpha 1 chain; minus strand). Cytogenetic location: 17q21.33.
Variant type: single nucleotide variant.
Coding change: c.4182C>T on transcript NM_000088.4 (MANE Select); coding-DNA position 4182, C replaced by T.
Protein change: p.Asn1394=; no amino-acid change (asparagine 1394 retained).
Molecular consequence: synonymous variant.
Genome position (GRCh38, 1-based): chr17:50,185,844, G>A on the plus strand (C>T on the coding strand, the complement: COL1A1 is on the minus strand). VCF-style: chr17-50185844-G-A. GRCh37 (hg19) VCF-style: chr17-48263205-G-A.
Identifiers: ClinVar variation 510768 (VCV000510768.5), dbSNP rs755763693, ClinGen allele CA8644240.